The following is an entry in ClinVar:

ClinVar aggregate classification (germline): Likely benign. Review status: criteria provided, multiple submitters, no conflicts (2 of 4 stars). 4 submissions from 4 submitters: Likely benign (4). Last evaluated 2026-04-15.

Conditions:
BRCA2-related disorder. Also called: BRCA2-related condition; BRCA2-related disorders. Identifiers: MedGen CN239275.
Hereditary cancer-predisposing syndrome. Also called: Tumor predisposition; Hereditary Cancer Syndrome; Neoplastic Syndromes, Hereditary; Hereditary neoplastic syndrome. Identifiers: Orphanet 140162, MedGen C0027672, MeSH D009386, MONDO:0015356.
Hereditary breast ovarian cancer syndrome. Also called: Hereditary breast and ovarian cancer; Hereditary breast and ovarian cancer syndrome (HBOC); Hereditary breast and ovarian cancer syndrome; Breast and ovarian cancer; Hereditary breast and/or ovarian cancer syndrome; BRCA1- and BRCA2-Associated Hereditary Breast and Ovarian Cancer. Identifiers: Orphanet 145, MedGen C0677776, MeSH D061325, MONDO:0003582. Disease mechanism: loss of function.

Allele frequency attached by ClinVar (database versions not stated): gnomAD exomes below 0.00001.
gnomAD v4.1: 4 of 1,614,022 alleles (0.00025%); highest among the groups gnomAD compares: Non-Finnish European, 0.00034%; no homozygotes.

Submissions (4):

PreventionGenetics, part of Exact Sciences
Classification: Likely benign for BRCA2-related condition. Last evaluated: 2026-04-15. Review status: criteria provided, single submitter. Criteria: ACMG Guidelines, 2015. Collection method: clinical testing. Allele origin: germline.
Comment: This variant is classified as likely benign based on ACMG/AMP sequence variant interpretation guidelines (Richards et al. 2015 PMID: 25741868, with internal and published modifications).

Ambry Genetics
Classification: Likely benign for Hereditary cancer-predisposing syndrome. Last evaluated: 2025-09-10. Review status: criteria provided, single submitter. Criteria: Ambry Variant Classification Scheme 2023. Collection method: clinical testing. Allele origin: germline.

Labcorp Genetics (formerly Invitae), Labcorp
Classification: Likely benign for Hereditary breast ovarian cancer syndrome. Last evaluated: 2024-07-22. Review status: criteria provided, single submitter. Criteria: Invitae Variant Classification Sherloc (09022015). Collection method: clinical testing. Allele origin: germline.

Color Diagnostics, LLC DBA Color Health
Classification: Likely benign for Hereditary cancer-predisposing syndrome. Last evaluated: 2021-11-23. Review status: criteria provided, single submitter. Criteria: ACMG Guidelines, 2015. Collection method: clinical testing. Allele origin: germline.

NM_000059.4(BRCA2):c.5977T>C (p.Leu1993=)

Gene: BRCA2 (BRCA2 DNA repair associated; plus strand). Cytogenetic location: 13q13.1.
Variant type: single nucleotide variant.
Coding change: c.5977T>C on transcript NM_000059.4 (MANE Select); coding-DNA position 5977, T replaced by C.
Protein change: p.Leu1993=; no amino-acid change (leucine 1993 retained).
Molecular consequence: synonymous variant.
Genome position (GRCh38, 1-based): chr13:32,340,332, T>C. VCF-style: chr13-32340332-T-C. GRCh37 (hg19) VCF-style: chr13-32914469-T-C.
Other names: c.5977T>C (NM_000059.3).
Identifiers: ClinVar variation 1108521 (VCV001108521.13), dbSNP rs1202443243, ClinGen allele CA483438950.